The following is an entry in ClinVar:

ClinVar aggregate classification (germline): Benign/Likely benign. Review status: criteria provided, multiple submitters, no conflicts (2 of 4 stars). 6 submissions from 6 submitters: Benign (1); Likely benign (4). 1 of the submissions does not count toward it. Last evaluated 2026-02-01.

Conditions:
MMUT-related disorder. Also called: MMUT-related condition.
Methylmalonic aciduria due to methylmalonyl-CoA mutase deficiency (MAMM). Also called: Methylmalonic aciduria, mut type. Identifiers: Orphanet 27, MedGen C1855114, MONDO:0009612, OMIM 251000.

Allele frequency attached by ClinVar (database versions not stated): ExAC 0.00192; gnomAD 0.00578 and 0.00608; ESP Exome Variant Server 0.00623; TOPMed 0.00646; 1000 Genomes Project 30x 0.00921; 1000 Genomes Project 0.00938; gnomAD exomes 0.00060 and 0.00154.
gnomAD v4.1: 1,733 of 1,494,506 alleles (0.12%); highest among the groups gnomAD compares: African/African-American, 1.9%; 12 homozygotes.

Submissions (6):

Labcorp Genetics (formerly Invitae), Labcorp
Classification: Benign. Last evaluated: 2026-02-01. Review status: criteria provided, single submitter. Criteria: Invitae Variant Classification Sherloc (09022015). Collection method: clinical testing. Allele origin: germline.

Blueprint Genetics
Classification: Likely benign. Last evaluated: 2024-11-13. Review status: criteria provided, single submitter. Criteria: ACMG Guidelines, 2015. Collection method: clinical testing. Allele origin: germline.

Fulgent Genetics
Classification: Likely benign for Methylmalonic aciduria due to methylmalonyl-CoA mutase deficiency. Last evaluated: 2021-07-26. Review status: criteria provided, single submitter. Criteria: ACMG Guidelines, 2015. Collection method: clinical testing. Allele origin: unknown.

GeneDx
Classification: Likely benign. Last evaluated: 2017-08-21. Review status: criteria provided, single submitter. Criteria: GeneDx Variant Classification (06012015). Collection method: clinical testing. Allele origin: germline. Affected: yes.
Comment: This variant is considered likely benign or benign based on one or more of the following criteria: it is a conservative change, it occurs at a poorly conserved position in the protein, it is predicted to be benign by multiple in silico algorithms, and/or has population frequency not consistent with disease.

Breakthrough Genomics
Classification: Likely benign. Review status: criteria provided, single submitter. Criteria: ACMG Guidelines, 2015. Collection method: not provided. Allele origin: germline. Inheritance: Autosomal recessive inheritance. Affected: yes.

PreventionGenetics, part of Exact Sciences
Classification: Benign for MMUT-related condition. Last evaluated: 2020-05-16. Review status: no assertion criteria provided. Collection method: clinical testing. Allele origin: germline. Not counted in ClinVar's aggregate classification.
Comment: This variant is classified as benign based on ACMG/AMP sequence variant interpretation guidelines (Richards et al. 2015 PMID: 25741868, with internal and published modifications).

NM_000255.4(MMUT):c.1333-18T>G

Gene: MMUT (methylmalonyl-CoA mutase; minus strand). Cytogenetic location: 6p12.3.
Variant type: single nucleotide variant.
Coding change: c.1333-18T>G on transcript NM_000255.4 (MANE Select); 18 bases into the intron before coding-DNA position 1333, T replaced by G.
Molecular consequence: intron variant.
Genome position (GRCh38, 1-based): chr6:49,448,945, A>C on the plus strand (T>G on the coding strand, the complement: MMUT is on the minus strand). VCF-style: chr6-49448945-A-C. GRCh37 (hg19) VCF-style: chr6-49416658-A-C.
Identifiers: ClinVar variation 382974 (VCV000382974.14), dbSNP rs111667453, ClinGen allele CA3846902.